The following is an entry in ClinVar:

ClinVar aggregate classification (germline): Benign (1 of 4 stars; one submission).

Allele frequency attached by ClinVar (database versions not stated): gnomAD 0.03857 and 0.03975.
gnomAD v4.1: 1,645 of 42,954 alleles (3.8%); highest among the groups gnomAD compares: African/African-American, 11%; 96 homozygotes.

Submission:

GeneDx
Classification: Benign. Last evaluated: 2018-06-19. Review status: criteria provided, single submitter. Criteria: GeneDx Variant Classification (06012015). Collection method: clinical testing. Allele origin: germline. Affected: yes.
Comment: This variant is considered likely benign or benign based on one or more of the following criteria: it is a conservative change, it occurs at a poorly conserved position in the protein, it is predicted to be benign by multiple in silico algorithms, and/or has population frequency not consistent with disease.

NM_001244008.2(KIF1A):c.430-290C>T

Gene: KIF1A (kinesin family member 1A; minus strand). Cytogenetic location: 2q37.3.
Variant type: single nucleotide variant.
Coding change: c.430-290C>T on transcript NM_001244008.2 (MANE Select); 290 bases into the intron before coding-DNA position 430, C replaced by T.
Molecular consequence: intron variant.
Genome position (GRCh38, 1-based): chr2:240,786,803, G>A on the plus strand (C>T on the coding strand, the complement: KIF1A is on the minus strand). VCF-style: chr2-240786803-G-A. GRCh37 (hg19) VCF-style: chr2-241726220-G-A.
Other names: c.430-290C>T (NM_001379653.1, NM_001379650.1, NM_001379645.1 and 20 more transcripts).
Identifiers: ClinVar variation 671787 (VCV000671787.1), dbSNP rs989719304, ClinGen allele CA68141560.
Genomic context (GRCh38, chr2:240,786,803, plus strand): 5'-GGCCCCTGAGTGAGAGGGTAGGGGCCACCATCAGGACCCCTGAGTGAGGGGGTGGGGGCT[G>A]CCATCAGGACCCCTGAGTGAGAGGGTGGGGGCTGCCTGCTGAGCAGAGGGCTCCCAGTCT-3'